The following is an entry in ClinVar:

NM_003737.4(DCHS1):c.7486C>T (p.Pro2496Ser)

Gene: DCHS1 (dachsous cadherin-related 1; minus strand). Cytogenetic location: 11p15.4.
Variant type: single nucleotide variant.
Coding change: c.7486C>T on transcript NM_003737.4 (MANE Select); coding-DNA position 7486, C replaced by T.
Protein change: p.Pro2496Ser; replaces proline 2496 with serine.
Molecular consequence: missense variant.
Genome position (GRCh38, 1-based): chr11:6,624,190, G>A on the plus strand (C>T on the coding strand, the complement: DCHS1 is on the minus strand). VCF-style: chr11-6624190-G-A. GRCh37 (hg19) VCF-style: chr11-6645421-G-A.
Other names: short protein forms P2496S.
Identifiers: ClinVar variation 3666070 (VCV003666070.2).

ClinVar aggregate classification (germline): Uncertain significance (1 of 4 stars; one submission).

gnomAD v4.1: 9 of 1,613,336 alleles (0.00056%); highest among the groups gnomAD compares: Non-Finnish European, 0.00076%; no homozygotes.

Submission:

Labcorp Genetics (formerly Invitae), Labcorp
Classification: Uncertain significance. Last evaluated: 2024-12-20. Review status: criteria provided, single submitter. Criteria: Invitae Variant Classification Sherloc (09022015). Collection method: clinical testing. Allele origin: germline.
Comment: This sequence change replaces proline, which is neutral and non-polar, with serine, which is neutral and polar, at codon 2496 of the DCHS1 protein (p.Pro2496Ser). This variant is not present in population databases (gnomAD no frequency). This variant has not been reported in the literature in individuals affected with DCHS1-related conditions. Invitae Evidence Modeling of protein sequence and biophysical properties (such as structural, functional, and spatial information, amino acid conservation, physicochemical variation, residue mobility, and thermodynamic stability) indicates that this missense variant is not expected to disrupt DCHS1 protein function with a negative predictive value of 80%. In summary, the available evidence is currently insufficient to determine the role of this variant in disease. Therefore, it has been classified as a Variant of Uncertain Significance.